The following is an entry in ClinVar:

ClinVar aggregate classification (germline): Uncertain significance (1 of 4 stars; one submission).

Conditions:
Familial cold autoinflammatory syndrome 2 (FCAS2). Identifiers: Orphanet 247868, MedGen C2673198, MONDO:0012724, OMIM 611762.

Allele frequency attached by ClinVar (database versions not stated): ExAC 0.00002.

Submission:

Labcorp Genetics (formerly Invitae), Labcorp
Classification: Uncertain significance for Familial cold autoinflammatory syndrome 2. Last evaluated: 2024-12-12. Review status: criteria provided, single submitter. Criteria: Invitae Variant Classification Sherloc (09022015). Collection method: clinical testing. Allele origin: germline.
Comment: This sequence change replaces proline, which is neutral and non-polar, with arginine, which is basic and polar, at codon 121 of the NLRP12 protein (p.Pro121Arg). This variant is present in population databases (rs773438934, gnomAD 0.01%). This variant has not been reported in the literature in individuals affected with NLRP12-related conditions. ClinVar contains an entry for this variant (Variation ID: 2077750). An algorithm developed to predict the effect of missense changes on protein structure and function (PolyPhen-2) suggests that this variant is likely to be disruptive. In summary, the available evidence is currently insufficient to determine the role of this variant in disease. Therefore, it has been classified as a Variant of Uncertain Significance.

NM_144687.4(NLRP12):c.362C>G (p.Pro121Arg)

Gene: NLRP12 (NLR family pyrin domain containing 12; minus strand). Cytogenetic location: 19q13.42.
Variant type: single nucleotide variant.
Coding change: c.362C>G on transcript NM_144687.4 (MANE Select); coding-DNA position 362, C replaced by G.
Protein change: p.Pro121Arg; replaces proline 121 with arginine.
Molecular consequence: missense variant.
Genome position (GRCh38, 1-based): chr19:53,814,916, G>C on the plus strand (C>G on the coding strand, the complement: NLRP12 is on the minus strand). VCF-style: chr19-53814916-G-C. GRCh37 (hg19) VCF-style: chr19-54318170-G-C.
Other names: c.362C>G, p.Pro121Arg (NM_001277126.2, NM_001277129.1); short protein forms P121R.
Identifiers: ClinVar variation 2077750 (VCV002077750.4), dbSNP rs773438934, ClinGen allele CA9639757.